The following is an entry in ClinVar:

NM_001042492.3(NF1):c.3550A>G (p.Thr1184Ala)

Gene: NF1 (neurofibromin 1; plus strand). Cytogenetic location: 17q11.2.
Variant type: single nucleotide variant.
Coding change: c.3550A>G on transcript NM_001042492.3 (MANE Select); coding-DNA position 3550, A replaced by G.
Protein change: p.Thr1184Ala; replaces threonine 1184 with alanine.
Molecular consequence: missense variant.
Genome position (GRCh38, 1-based): chr17:31,233,055, A>G. VCF-style: chr17-31233055-A-G. GRCh37 (hg19) VCF-style: chr17-29560073-A-G.
Other names: c.3550A>G, p.Thr1184Ala (NM_000267.4); short protein forms T1184A.
Identifiers: ClinVar variation 1516390 (VCV001516390.10), dbSNP rs2151435398, ClinGen allele CA398989992.

ClinVar aggregate classification (germline): Uncertain significance. Review status: criteria provided, multiple submitters, no conflicts (2 of 4 stars). 2 submissions from 2 submitters: Uncertain significance (2). Last evaluated 2022-04-19.

Conditions:
Neurofibromatosis, type 1 (NF1). Also called: Neurofibromatosis, type I; Peripheral type neurofibromatosis; VON RECKLINGHAUSEN DISEASE; NEUROFIBROMATOSIS, TYPE I, SOMATIC. Identifiers: Orphanet 636, MedGen C0027831, MONDO:0018975, OMIM 162200. Disease mechanism: loss of function.
Hereditary cancer-predisposing syndrome. Also called: Neoplastic Syndromes, Hereditary; Hereditary Cancer Syndrome; Tumor predisposition; Hereditary neoplastic syndrome. Identifiers: Orphanet 140162, MedGen C0027672, MeSH D009386, MONDO:0015356.
Cardiovascular phenotype. Identifiers: MedGen CN230736.

Submissions (2):

Ambry Genetics
Classification: Uncertain significance for Cardiovascular phenotype; Hereditary cancer-predisposing syndrome. Last evaluated: 2022-04-19. Review status: criteria provided, single submitter. Criteria: Ambry Variant Classification Scheme 2023. Collection method: clinical testing. Allele origin: germline.
Comment: The p.T1184A variant (also known as c.3550A>G), located in coding exon 27 of the NF1 gene, results from an A to G substitution at nucleotide position 3550. The threonine at codon 1184 is replaced by alanine, an amino acid with similar properties. This amino acid position is conserved. In addition, this alteration is predicted to be deleterious by in silico analysis. Since supporting evidence is limited at this time, the clinical significance of this alteration remains unclear.

Labcorp Genetics (formerly Invitae), Labcorp
Classification: Uncertain significance for Neurofibromatosis, type 1. Last evaluated: 2021-03-13. Review status: criteria provided, single submitter. Criteria: Invitae Variant Classification Sherloc (09022015). Collection method: clinical testing. Allele origin: germline.
Comment: In summary, the available evidence is currently insufficient to determine the role of this variant in disease. Therefore, it has been classified as a Variant of Uncertain Significance. Advanced modeling of protein sequence and biophysical properties (such as structural, functional, and spatial information, amino acid conservation, physicochemical variation, residue mobility, and thermodynamic stability) performed at Invitae indicates that this missense variant is expected to disrupt NF1 protein function. This variant has not been reported in the literature in individuals with NF1-related conditions. This variant is not present in population databases (ExAC no frequency). This sequence change replaces threonine with alanine at codon 1184 of the NF1 protein (p.Thr1184Ala). The threonine residue is moderately conserved and there is a small physicochemical difference between threonine and alanine.